The following is an entry in ClinVar:

NM_000520.6(HEXA):c.1235_1247del (p.Phe412fs)

Gene: HEXA (hexosaminidase subunit alpha; minus strand). Cytogenetic location: 15q23.
Variant type: Deletion.
Coding change: c.1235_1247del on transcript NM_000520.6 (MANE Select); coding-DNA positions 1235 to 1247, 13 bases deleted (TCCGGGCCCTTCT).
Protein change: p.Phe412fs; shifts the reading frame from phenylalanine 412.
Molecular consequence: frameshift variant.
Genome position (GRCh38, 1-based): chr15:72,346,610-72,346,622, AGAAGGGCCCGGA deleted on the plus strand (TCCGGGCCCTTCT on the coding strand, the reverse complement: HEXA is on the minus strand); deleting any 13 consecutive bases within chr15:72,346,610-72,346,624 gives the same sequence; the c. name uses the placement nearest the transcript's 3' end. VCF-style (leftmost placement, unchanged base first): chr15-72346609-GAGAAGGGCCCGGA-G. GRCh37 (hg19) VCF-style: chr15-72638950-GAGAAGGGCCCGGA-G.
Other names: c.1268_1280del, p.Phe423fs (NM_001318825.2); short protein forms F412fs, F423fs.
Identifiers: ClinVar variation 4818713 (VCV004818713.1).

ClinVar aggregate classification (germline): Likely pathogenic (1 of 4 stars; one submission).

Conditions:
Tay-Sachs disease (TSD). Also called: HEXA DEFICIENCY; HEXA Disorders; GM2 gangliosidosis, type 1; Hexosaminidase alpha-subunit deficiency (variant B); Sphingolipidosis, Tay-Sachs; Hexosaminidase A Deficiency. Identifiers: Orphanet 845, MedGen C0039373, MONDO:0010100, OMIM 272800.

Submission:

Natera, Inc.
Classification: Likely pathogenic for Tay-Sachs disease. Last evaluated: 2025-09-22. Review status: criteria provided, single submitter. Criteria: Natera Variant Classification Schema (03/2026). Collection method: clinical testing. Allele origin: germline.
Comment: The c.1235_1247del variant in HEXA is a frameshift variant predicted to shift the reading frame beginning at codon 412 and leads to a stop codon 7 codons downstream. This variant is expected to result in nonsense mediated decay, truncation, or a dysfunctional protein product. This variant is rare in the general population with a frequency below the threshold expected for the associated phenotype(s). Given the available evidence, this variant is classified as Likely Pathogenic.